The following is an entry in ClinVar:

ClinVar aggregate classification (germline): Uncertain significance (1 of 4 stars; one submission).

Submission:

Labcorp Genetics (formerly Invitae), Labcorp
Classification: Uncertain significance. Last evaluated: 2022-06-14. Review status: criteria provided, single submitter. Criteria: Invitae Variant Classification Sherloc (09022015). Collection method: clinical testing. Allele origin: germline.
Comment: This sequence change replaces histidine, which is basic and polar, with tyrosine, which is neutral and polar, at codon 160 of the ARMC9 protein (p.His160Tyr). This variant is not present in population databases (gnomAD no frequency). This variant has not been reported in the literature in individuals affected with ARMC9-related conditions. Experimental studies and prediction algorithms are not available or were not evaluated, and the functional significance of this variant is currently unknown. In summary, the available evidence is currently insufficient to determine the role of this variant in disease. Therefore, it has been classified as a Variant of Uncertain Significance.

NM_001352754.2(ARMC9):c.478C>T (p.His160Tyr)

Gene: ARMC9 (armadillo repeat containing 9; plus strand). Cytogenetic location: 2q37.1.
Variant type: single nucleotide variant.
Coding change: c.478C>T on transcript NM_001352754.2 (MANE Select); coding-DNA position 478, C replaced by T.
Protein change: p.His160Tyr; replaces histidine 160 with tyrosine.
Molecular consequence: missense variant. On other transcripts: non-coding transcript variant (1).
Genome position (GRCh38, 1-based): chr2:231,216,767, C>T. VCF-style: chr2-231216767-C-T. GRCh37 (hg19) VCF-style: chr2-232081480-C-T.
Other names: c.478C>T, p.His160Tyr (NM_001271466.4, NM_001291656.2, NM_001352755.2 and 5 more transcripts); short protein forms H160Y.
Identifiers: ClinVar variation 2006189 (VCV002006189.4), dbSNP rs2469607032, ClinGen allele CA350947313.